The following is an entry in ClinVar:

NM_003036.4(SKI):c.1376T>G (p.Val459Gly)

Gene: SKI (SKI proto-oncogene; plus strand). Cytogenetic location: 1p36.32.
Variant type: single nucleotide variant.
Coding change: c.1376T>G on transcript NM_003036.4 (MANE Select); coding-DNA position 1376, T replaced by G.
Protein change: p.Val459Gly; replaces valine 459 with glycine.
Molecular consequence: missense variant.
Genome position (GRCh38, 1-based): chr1:2,304,004, T>G. VCF-style: chr1-2304004-T-G. GRCh37 (hg19) VCF-style: chr1-2235443-T-G.
Other names: short protein forms V459G.
Identifiers: ClinVar variation 2834636 (VCV002834636.3), dbSNP rs1386863040, ClinGen allele CA337956552.

ClinVar aggregate classification (germline): Uncertain significance (1 of 4 stars; one submission).

Conditions:
Shprintzen-Goldberg syndrome (SGS). Also called: SHPRINTZEN-GOLDBERG CRANIOSYNOSTOSIS SYNDROME; CRANIOSYNOSTOSIS WITH ARACHNODACTYLY AND ABDOMINAL HERNIAS; Marfanoid disorder with craniosynostosis type 1; Marfanoid craniosynostosis syndrome; Shprintzen-Goldberg marfanoid syndrome. Identifiers: Orphanet 2462, MedGen C1321551, MONDO:0008426, OMIM 182212.

Allele frequency attached by ClinVar (database versions not stated): TOPMed below 0.00001; gnomAD 0.00001.
gnomAD v4.1: 1 of 1,612,420 alleles (0.000062%); highest among the groups gnomAD compares: Non-Finnish European, 0.000085%; no homozygotes.

Submission:

Labcorp Genetics (formerly Invitae), Labcorp
Classification: Uncertain significance for Shprintzen-Goldberg syndrome. Last evaluated: 2023-02-04. Review status: criteria provided, single submitter. Criteria: Invitae Variant Classification Sherloc (09022015). Collection method: clinical testing. Allele origin: germline.
Comment: This sequence change replaces valine, which is neutral and non-polar, with glycine, which is neutral and non-polar, at codon 459 of the SKI protein (p.Val459Gly). This variant is not present in population databases (gnomAD no frequency). In summary, the available evidence is currently insufficient to determine the role of this variant in disease. Therefore, it has been classified as a Variant of Uncertain Significance. Advanced modeling of protein sequence and biophysical properties (such as structural, functional, and spatial information, amino acid conservation, physicochemical variation, residue mobility, and thermodynamic stability) performed at Invitae indicates that this missense variant is not expected to disrupt SKI protein function. This variant has not been reported in the literature in individuals affected with SKI-related conditions.